The following is an entry in ClinVar:

NM_001134363.3(RBM20):c.128A>C (p.Gln43Pro)

Gene: RBM20 (RNA binding motif protein 20; plus strand). Cytogenetic location: 10q25.2.
Variant type: single nucleotide variant.
Coding change: c.128A>C on transcript NM_001134363.3 (MANE Select); coding-DNA position 128, A replaced by C.
Protein change: p.Gln43Pro; replaces glutamine 43 with proline.
Molecular consequence: missense variant.
Genome position (GRCh38, 1-based): chr10:110,644,582, A>C. VCF-style: chr10-110644582-A-C. GRCh37 (hg19) VCF-style: chr10-112404340-A-C.
Other names: c.128A>C (LRG_382t1); short protein forms Q43P.
Identifiers: ClinVar variation 298785 (VCV000298785.7), dbSNP rs886046698, ClinGen allele CA10634552.

ClinVar aggregate classification (germline): Uncertain significance. Review status: criteria provided, multiple submitters, no conflicts (2 of 4 stars). 2 submissions from 2 submitters: Uncertain significance (2). Last evaluated 2021-11-05.

Conditions:
Cardiovascular phenotype. Identifiers: MedGen CN230736.
Dilated cardiomyopathy 1DD (CMD1DD). Identifiers: Orphanet 154, MedGen C2750995, MONDO:0013168, OMIM 613172.

Submissions (2):

Ambry Genetics
Classification: Uncertain significance for Cardiovascular phenotype. Last evaluated: 2021-11-05. Review status: criteria provided, single submitter. Criteria: Ambry Variant Classification Scheme 2023. Collection method: clinical testing. Allele origin: germline.
Comment: The p.Q43P variant (also known as c.128A>C), located in coding exon 1 of the RBM20 gene, results from an A to C substitution at nucleotide position 128. The glutamine at codon 43 is replaced by proline, an amino acid with similar properties. This amino acid position is conserved. In addition, this alteration is predicted to be tolerated by in silico analysis. Since supporting evidence is limited at this time, the clinical significance of this alteration remains unclear.

Illumina Laboratory Services, Illumina
Classification: Uncertain significance for Dilated cardiomyopathy 1DD. Last evaluated: 2018-01-12. Review status: criteria provided, single submitter. Criteria: ICSL Variant Classification Criteria 13 December 2019. Collection method: clinical testing. Allele origin: germline.